The following is an entry in ClinVar:

NM_000179.3(MSH6):c.1315G>T (p.Asp439Tyr)

Gene: MSH6 (mutS homolog 6; plus strand). Cytogenetic location: 2p16.3.
Variant type: single nucleotide variant.
Coding change: c.1315G>T on transcript NM_000179.3 (MANE Select); coding-DNA position 1315, G replaced by T.
Protein change: p.Asp439Tyr; replaces aspartic acid 439 with tyrosine.
Molecular consequence: missense variant. On other transcripts: non-coding transcript variant (4), intron variant (1).
Genome position (GRCh38, 1-based): chr2:47,799,298, G>T. VCF-style: chr2-47799298-G-T. GRCh37 (hg19) VCF-style: chr2-48026437-G-T.
Other names: c.925G>T, p.Asp309Tyr (NM_001281492.2); c.409G>T, p.Asp137Tyr (NM_001281493.2, NM_001281494.2, NM_001406811.1 and 6 more transcripts); c.1411G>T, p.Asp471Tyr (NM_001406795.1, NM_001406802.1); c.1315G>T, p.Asp439Tyr (NM_001406796.1, NM_001406798.1, NM_001406800.1 and 4 more transcripts); c.1018G>T, p.Asp340Tyr (NM_001406797.1, NM_001406801.1, NM_001406805.1 and 10 more transcripts); c.790G>T, p.Asp264Tyr (NM_001406799.1, NM_001406806.1, NM_001406807.1); c.1237G>T, p.Asp413Tyr (NM_001406804.1); c.1321G>T, p.Asp441Tyr (NM_001406813.1); and 2 more; short protein forms D137Y, D264Y, D309Y, D340Y, D383Y, D413Y, D439Y, D441Y.
Identifiers: ClinVar variation 2573964 (VCV002573964.2), dbSNP rs2104335686, ClinGen allele CA346744398.
Genomic context (GRCh38, chr2:47,799,298, plus strand): 5'-CAGAACTTTGATCTTGTCATCTGTTACAAGGTGGGGAAATTTTATGAGCTGTACCACATG[G>T]ATGCTCTTATTGGAGTCAGTGAACTGGGGCTGGTATTCATGAAAGGCAACTGGGCCCATT-3'
Protein context (NP_000170.1, residues 429-449): VGKFYELYHM[Asp439Tyr]ALIGVSELGL

ClinVar aggregate classification (germline): Uncertain significance. Review status: criteria provided, multiple submitters, no conflicts (2 of 4 stars). 2 submissions from 2 submitters: Uncertain significance (2). Last evaluated 2023-01-19.

Conditions:
Hereditary cancer-predisposing syndrome. Also called: Hereditary neoplastic syndrome; Hereditary Cancer Syndrome; Neoplastic Syndromes, Hereditary; Tumor predisposition. Identifiers: Orphanet 140162, MedGen C0027672, MeSH D009386, MONDO:0015356.

Submissions (2):

GeneDx
Classification: Uncertain significance. Last evaluated: 2023-01-19. Review status: criteria provided, single submitter. Criteria: GeneDx Variant Classification Process June 2021. Collection method: clinical testing. Allele origin: germline. Affected: yes.
Comment: Not observed at significant frequency in large population cohorts (gnomAD); In silico analysis supports that this missense variant has a deleterious effect on protein structure/function; Has not been previously published as pathogenic or benign to our knowledge; This variant is associated with the following publications: (PMID: 17531815, 21120944)

Ambry Genetics
Classification: Uncertain significance for Hereditary cancer-predisposing syndrome. Last evaluated: 2022-01-03. Review status: criteria provided, single submitter. Criteria: Ambry Variant Classification Scheme 2023. Collection method: clinical testing. Allele origin: germline.